The following is an entry in ClinVar:

NM_004260.4(RECQL4):c.312C>G (p.Asp104Glu)

Gene: RECQL4 (RecQ like helicase 4; minus strand). Cytogenetic location: 8q24.3.
Variant type: single nucleotide variant.
Coding change: c.312C>G on transcript NM_004260.4 (MANE Select); coding-DNA position 312, C replaced by G.
Protein change: p.Asp104Glu; replaces aspartic acid 104 with glutamic acid.
Molecular consequence: missense variant.
Genome position (GRCh38, 1-based): chr8:144,517,092, G>C on the plus strand (C>G on the coding strand, the complement: RECQL4 is on the minus strand). VCF-style: chr8-144517092-G-C. GRCh37 (hg19) VCF-style: chr8-145742476-G-C.
Other names: short protein forms D104E.
Identifiers: ClinVar variation 1710932 (VCV001710932.2), dbSNP rs2538110782, ClinGen allele CA372692042.
Genomic context (GRCh38, chr8:144,517,092, plus strand): 5'-TGCCTGCCCACTCCTCACCTGCAGGGTGCCTTTCAGATTGGCCTTGAGCCGCTGCCCGTA[G>C]TCCGGCACCGAGCCCTGGCGGCTCCGCCCTGGCGTAGACTGTGGACTCTTGGTCGCAGCC-3'
Protein context (NP_004251.4, residues 94-114): PGRSRQGSVP[Asp104Glu]YGQRLKANLK

ClinVar aggregate classification (germline): Uncertain significance. Review status: criteria provided, multiple submitters, no conflicts (2 of 4 stars). 2 submissions from 2 submitters: Uncertain significance (2). Last evaluated 2026-08-11.

Conditions:
Rothmund-Thomson syndrome type 2 (RTS2). Identifiers: Orphanet 221016, MedGen C5203410, MONDO:0016369, OMIM 268400.
Inborn genetic diseases. Identifiers: MedGen C0950123, MeSH D030342.

Submissions (2):

Ambry Genetics
Classification: Uncertain significance for Inborn genetic diseases. Last evaluated: 2026-08-11. Review status: criteria provided, single submitter. Criteria: Ambry Variant Classification Scheme 2023. Collection method: clinical testing. Allele origin: germline.
Comment: The p.D104E variant (also known as c.312C>G), located in coding exon 4 of the RECQL4 gene, results from a C to G substitution at nucleotide position 312. The aspartic acid at codon 104 is replaced by glutamic acid, an amino acid with highly similar properties. This amino acid position is conserved. In addition, this alteration is predicted to be tolerated by in silico analysis. Based on the available evidence, the clinical significance of this variant remains unclear.

St. Jude Molecular Pathology, St. Jude Children's Research Hospital
Classification: Uncertain significance for Rothmund-Thomson syndrome type 2. Last evaluated: 2022-08-10. Review status: criteria provided, single submitter. Criteria: St. Jude Assertion Criteria 2020. Collection method: clinical testing. Allele origin: germline.
Comment: The RECQL4 c.312C>G (p.Asp104Glu) missense change is absent in gnomAD v2.1.1. In silico tools are inconclusive about a pathogenic or benign effect of this variant on protein function, and to our knowledge functional studies have not been performed. To our knowledge, this variant has not been reported in individuals with RECQL4-associated conditions. In summary, the evidence currently available is insufficient to determine the clinical significance of this variant. It has therefore been classified as of uncertain significance.